The following is an entry in ClinVar:

ClinVar aggregate classification (germline): Uncertain significance. Review status: criteria provided, multiple submitters, no conflicts (2 of 4 stars). 2 submissions from 2 submitters: Uncertain significance (2). Last evaluated 2022-06-09.

Conditions:
Primary ciliary dyskinesia. Also called: Ciliary dyskinesia. Identifiers: Orphanet 244, MedGen C0008780, MONDO:0016575, HP:0012265.
Primary ciliary dyskinesia 3. Identifiers: Orphanet 244, MedGen C1837618, MONDO:0012085, OMIM 608644.

Allele frequency attached by ClinVar (database versions not stated): gnomAD exomes below 0.00001 and 0.00001; ExAC 0.00002.
gnomAD v4.1: 11 of 1,614,208 alleles (0.00068%); highest among the groups gnomAD compares: South Asian, 0.0055%; no homozygotes.

Submissions (2):

Labcorp Genetics (formerly Invitae), Labcorp
Classification: Uncertain significance for Primary ciliary dyskinesia. Last evaluated: 2022-06-09. Review status: criteria provided, single submitter. Criteria: Invitae Variant Classification Sherloc (09022015). Collection method: clinical testing. Allele origin: germline.
Comment: This sequence change replaces methionine, which is neutral and non-polar, with valine, which is neutral and non-polar, at codon 3247 of the DNAH5 protein (p.Met3247Val). This variant is not present in population databases (gnomAD no frequency). This variant has not been reported in the literature in individuals affected with DNAH5-related conditions. ClinVar contains an entry for this variant (Variation ID: 907483). Advanced modeling of protein sequence and biophysical properties (such as structural, functional, and spatial information, amino acid conservation, physicochemical variation, residue mobility, and thermodynamic stability) performed at Invitae indicates that this missense variant is not expected to disrupt DNAH5 protein function. In summary, the available evidence is currently insufficient to determine the role of this variant in disease. Therefore, it has been classified as a Variant of Uncertain Significance.

Illumina Laboratory Services, Illumina
Classification: Uncertain significance for Primary ciliary dyskinesia 3. Last evaluated: 2018-01-13. Review status: criteria provided, single submitter. Criteria: ICSL Variant Classification Criteria 13 December 2019. Collection method: clinical testing. Allele origin: germline.

NM_001369.3(DNAH5):c.9739A>G (p.Met3247Val)

Gene: DNAH5 (dynein axonemal heavy chain 5; minus strand). Cytogenetic location: 5p15.2.
Variant type: single nucleotide variant.
Coding change: c.9739A>G on transcript NM_001369.3 (MANE Select); coding-DNA position 9739, A replaced by G.
Protein change: p.Met3247Val; replaces methionine 3247 with valine.
Molecular consequence: missense variant.
Genome position (GRCh38, 1-based): chr5:13,769,118, T>C on the plus strand (A>G on the coding strand, the complement: DNAH5 is on the minus strand). VCF-style: chr5-13769118-T-C. GRCh37 (hg19) VCF-style: chr5-13769227-T-C.
Other names: short protein forms M3247V.
Identifiers: ClinVar variation 907483 (VCV000907483.6), dbSNP rs780887847, ClinGen allele CA3202437.